The following is an entry in ClinVar:

NM_017637.6(BNC2):c.3238C>T (p.Arg1080Ter)

Gene: BNC2 (basonuclin zinc finger protein 2; minus strand). Cytogenetic location: 9p22.3.
Variant type: single nucleotide variant.
Coding change: c.3238C>T on transcript NM_017637.6 (MANE Select); coding-DNA position 3238, C replaced by T.
Protein change: p.Arg1080Ter; replaces arginine 1080 with a stop codon.
Molecular consequence: nonsense. On other transcripts: 3 prime UTR variant (1).
Genome position (GRCh38, 1-based): chr9:16,419,051, G>A on the plus strand (C>T on the coding strand, the complement: BNC2 is on the minus strand). VCF-style: chr9-16419051-G-A. GRCh37 (hg19) VCF-style: chr9-16419049-G-A.
Other names: c.*582C>T (NM_001317939.2); c.2953C>T, p.Arg985Ter (NM_001317940.2); short protein forms R1080*, R985*.
Identifiers: ClinVar variation 4745692 (VCV004745692.1).

ClinVar aggregate classification (germline): Uncertain significance (1 of 4 stars; one submission).

gnomAD v4.1: 2 of 1,614,116 alleles (0.00012%); highest among the groups gnomAD compares: Non-Finnish European, 0.00017%; no homozygotes.

Submission:

Labcorp Genetics (formerly Invitae), Labcorp
Classification: Uncertain significance. Last evaluated: 2025-11-20. Review status: criteria provided, single submitter. Criteria: Invitae Variant Classification Sherloc (09022015). Collection method: clinical testing. Allele origin: germline.
Comment: This sequence change creates a premature translational stop signal (p.Arg1080*) in the BNC2 gene. While this is not anticipated to result in nonsense mediated decay, it is expected to disrupt the last 20 amino acid(s) of the BNC2 protein. This variant is not present in population databases (gnomAD no frequency). This variant has not been reported in the literature in individuals affected with BNC2-related conditions. In summary, the available evidence is currently insufficient to determine the role of this variant in disease. Therefore, it has been classified as a Variant of Uncertain Significance.